The following is an entry in ClinVar:

ClinVar aggregate classification (germline): Pathogenic (1 of 4 stars; one submission).

Conditions:
Dilated cardiomyopathy 1HH (CMD1HH). Identifiers: Orphanet 154, MedGen C3151293, MONDO:0013479, OMIM 613881.

Submission:

Molecular Genetics Laboratory, Motol Hospital
Classification: Pathogenic for Dilated cardiomyopathy 1HH. Last evaluated: 2026-05-14. Review status: criteria provided, single submitter. Criteria: ACMG Guidelines, 2015. Collection method: clinical testing. Allele origin: de novo. Inheritance: Sporadic. Affected: yes. Observed: 1 variant allele, 1 heterozygote.
Comment: A rare variant not present in non-Finnish European population (gnomAD v4.1.1) (PM2). Rare truncating variants are associated with BAG3-related disorders, including dilated cardiomyopathy-1HH (OMIM:613881) (PVS1). The variant is located in the mutation hotspot in the exon 4. The variant is classified as pathogenic.

Literature cited by the submitters: PubMed 36382946; PubMed 30442290.

NM_004281.4(BAG3):c.915dup (p.Met306fs)

Gene: BAG3 (BAG cochaperone 3; plus strand). Cytogenetic location: 10q26.11.
Variant type: Duplication.
Coding change: c.915dup on transcript NM_004281.4 (MANE Select); coding-DNA position 915, one base duplicated (C; older notation c.915dupC).
Protein change: p.Met306fs; shifts the reading frame from methionine 306.
Molecular consequence: frameshift variant.
Genome position (GRCh38, 1-based): chr10:119,676,469, C duplicated; the last of 3 consecutive C bases (chr10:119,676,467-119,676,469); duplicating any one gives the same sequence. VCF-style (leftmost placement, unchanged base first): chr10-119676466-G-GC. GRCh37 (hg19) VCF-style: chr10-121435978-G-GC.
Other names: short protein forms M306fs.
Identifiers: ClinVar variation 4851272 (VCV004851272.1).